The following is an entry in ClinVar:

ClinVar aggregate classification (germline): Conflicting classifications of pathogenicity. Review status: criteria provided, conflicting classifications (1 of 4 stars). 3 submissions from 3 submitters: Uncertain significance (1); Likely benign (2). Last evaluated 2026-01-05.

Conditions:
Inborn genetic diseases. Identifiers: MedGen C0950123, MeSH D030342.
Hereditary sensory and autonomic neuropathy type 7. Also called: Neuropathy, hereditary sensory and autonomic, type VII; HSAN VII. Identifiers: Orphanet 391397, MedGen C3809882, MONDO:0014244, OMIM 615548.
Familial episodic pain syndrome with predominantly lower limb involvement. Also called: Episodic pain syndrome, familial, 3. Identifiers: Orphanet 391384, Orphanet 391392, MedGen C3809899, MONDO:0014247, OMIM 615552.

Allele frequency attached by ClinVar (database versions not stated): gnomAD exomes below 0.00001 and 0.00002; ExAC 0.00001; TOPMed 0.00001; gnomAD 0.00002; ESP Exome Variant Server 0.00008.
gnomAD v4.1: 26 of 1,612,930 alleles (0.0016%); highest among the groups gnomAD compares: Non-Finnish European, 0.0022%; no homozygotes.

Submissions (3):

Women's Health and Genetics/Laboratory Corporation of America, LabCorp
Classification: Likely benign. Last evaluated: 2026-01-05. Review status: criteria provided, single submitter. Criteria: LabCorp Variant Classification Summary - May 2015. Collection method: clinical testing. Allele origin: germline.
Comment: Variant summary: SCN11A c.2881G>T (p.Val961Phe) results in a non-conservative amino acid change in the encoded protein sequence. Algorithms developed to predict the effect of missense changes on protein structure and function are either unavailable or do not agree on the potential impact of this missense change. The variant allele was found at a frequency of 1.6e-05 in 1612930 control chromosomes. The observed variant frequency exceeds the estimated maximal expected allele frequency for disease-causing variants in SCN11A. To our knowledge, no occurrence of c.2881G>T in individuals affected with SCN11A-related conditions and no experimental evidence demonstrating its impact on protein function have been reported. ClinVar contains an entry for this variant (Variation ID: 474713). Based on the evidence outlined above, the variant was classified as likely benign.

Labcorp Genetics (formerly Invitae), Labcorp
Classification: Likely benign for Familial episodic pain syndrome with predominantly lower limb involvement; Hereditary sensory and autonomic neuropathy type 7. Last evaluated: 2023-04-23. Review status: criteria provided, single submitter. Criteria: Invitae Variant Classification Sherloc (09022015). Collection method: clinical testing. Allele origin: germline.

Ambry Genetics
Classification: Uncertain significance for Inborn genetic diseases. Last evaluated: 2021-12-01. Review status: criteria provided, single submitter. Criteria: Ambry Variant Classification Scheme 2023. Collection method: clinical testing. Allele origin: germline.
Comment: The p.V961F variant (also known as c.2881G>T), located in coding exon 16 of the SCN11A gene, results from a G to T substitution at nucleotide position 2881. The valine at codon 961 is replaced by phenylalanine, an amino acid with highly similar properties. This amino acid position is not well conserved in available vertebrate species. In addition, this alteration is predicted to be tolerated by in silico analysis. Since supporting evidence is limited at this time, the clinical significance of this alteration remains unclear.

NM_001349253.2(SCN11A):c.2881G>T (p.Val961Phe)

Gene: SCN11A (sodium voltage-gated channel alpha subunit 11; minus strand). Cytogenetic location: 3p22.2.
Variant type: single nucleotide variant.
Coding change: c.2881G>T on transcript NM_001349253.2 (MANE Select); coding-DNA position 2881, G replaced by T.
Protein change: p.Val961Phe; replaces valine 961 with phenylalanine.
Molecular consequence: missense variant.
Genome position (GRCh38, 1-based): chr3:38,886,193, C>A on the plus strand (G>T on the coding strand, the complement: SCN11A is on the minus strand). VCF-style: chr3-38886193-C-A. GRCh37 (hg19) VCF-style: chr3-38927684-C-A.
Other names: c.2881G>T, p.Val961Phe (NM_014139.3); short protein forms V961F.
Identifiers: ClinVar variation 474713 (VCV000474713.12), dbSNP rs367689714, ClinGen allele CA2321930.